The following is an entry in ClinVar:

NM_022132.5(MCCC2):c.1300G>C (p.Val434Leu)

Gene: MCCC2 (methylcrotonyl-CoA carboxylase subunit 2; plus strand). Cytogenetic location: 5q13.2.
Variant type: single nucleotide variant.
Coding change: c.1300G>C on transcript NM_022132.5 (MANE Select); coding-DNA position 1300, G replaced by C.
Protein change: p.Val434Leu; replaces valine 434 with leucine.
Molecular consequence: missense variant.
Genome position (GRCh38, 1-based): chr5:71,649,180, G>C. VCF-style: chr5-71649180-G-C. GRCh37 (hg19) VCF-style: chr5-70945007-G-C.
Other names: c.1186G>C, p.Val396Leu (NM_001363147.1); c.1300G>C (NM_022132.4); short protein forms V396L, V434L.
Identifiers: ClinVar variation 1036699 (VCV001036699.43), dbSNP rs758506791, ClinGen allele CA3298101.

ClinVar aggregate classification (germline): Likely pathogenic. Review status: criteria provided, multiple submitters, no conflicts (2 of 4 stars). 5 submissions from 5 submitters: Likely pathogenic (4). 1 of the submissions does not count toward it. Last evaluated 2025-09-02.

Conditions:
Methylcrotonyl-CoA carboxylase deficiency. Also called: 3 Methylcrotonylglycinuria; Deficiency of methylcrotonoyl-CoA carboxylase; 3-MCC Deficiency. Identifiers: Orphanet 6, MedGen C4551505, MONDO:0018950.
3-methylcrotonyl-CoA carboxylase 2 deficiency. Also called: 3 alpha methylcrotonyl-CoA carboxylase 2 deficiency; 3 alpha methylcrotonylglycinuria 2; MCC 2 deficiency; Methylcrotonylglycinuria type 2; METHYLCROTONYLGLYCINURIA, TYPE II. Identifiers: Orphanet 6, MedGen C1859499, MONDO:0008862, OMIM 210210.

Allele frequency attached by ClinVar (database versions not stated): gnomAD exomes 0.00001; ExAC 0.00002.
gnomAD v4.1: 12 of 1,614,128 alleles (0.00074%); highest among the groups gnomAD compares: Admixed American, 0.0067%; no homozygotes.

Submissions (5):

Labcorp Genetics (formerly Invitae), Labcorp
Classification: Likely pathogenic for 3-methylcrotonyl-CoA carboxylase 2 deficiency. Last evaluated: 2025-09-02. Review status: criteria provided, single submitter. Criteria: Invitae Variant Classification Sherloc (09022015). Collection method: clinical testing. Allele origin: germline.
Comment: This sequence change replaces valine, which is neutral and non-polar, with leucine, which is neutral and non-polar, at codon 434 of the MCCC2 protein (p.Val434Leu). This variant is present in population databases (rs758506791, gnomAD 0.003%). This missense change has been observed in individual(s) with biochemical features of 3-methylcrotonyl-CoA carboxylase deficiency (PMID: 22642865, 30626930). ClinVar contains an entry for this variant (Variation ID: 1036699). Invitae Evidence Modeling of protein sequence and biophysical properties (such as structural, functional, and spatial information, amino acid conservation, physicochemical variation, residue mobility, and thermodynamic stability) indicates that this missense variant is expected to disrupt MCCC2 protein function with a positive predictive value of 80%. Experimental studies are conflicting or provide insufficient evidence to determine the effect of this variant on MCCC2 function (PMID: 22642865). In summary, the currently available evidence indicates that the variant is pathogenic, but additional data are needed to prove that conclusively. Therefore, this variant has been classified as Likely Pathogenic.

Fulgent Genetics
Classification: Likely pathogenic for 3-methylcrotonyl-CoA carboxylase 2 deficiency. Last evaluated: 2024-03-28. Review status: criteria provided, single submitter. Criteria: ACMG Guidelines, 2015. Collection method: clinical testing. Allele origin: germline.

Women's Health and Genetics/Laboratory Corporation of America, LabCorp
Classification: Likely pathogenic for Methylcrotonyl-CoA carboxylase deficiency. Last evaluated: 2022-12-15. Review status: criteria provided, single submitter. Criteria: LabCorp Variant Classification Summary - May 2015. Collection method: clinical testing. Allele origin: germline.
Comment: Variant summary: MCCC2 c.1300G>C (p.Val434Leu) results in a conservative amino acid change located in the Acetyl-coenzyme A carboxyltransferase, C-terminal domain (IPR011763) of the encoded protein sequence. Four of five in-silico tools predict a damaging effect of the variant on protein function. The variant allele was found at a frequency of 8e-06 in 251484 control chromosomes (gnomAD). c.1300G>C has been reported in the literature in homozygous individuals affected with Methylcrotonyl-CoA Carboxylase Deficiency (Grunert_2012, Navarrete_2019). These data indicate that the variant is likely to be associated with disease. At least one publication reports experimental evidence evaluating an impact on protein function, demonstrating that the variant severely reduced protein expression. However, the resulting protein retained most of its enzymatic activity (73.7-77% residual activity, Grunert_2012). Three ClinVar submitters have assessed the variant since 2014: two classified the variant as uncertain significance and one as likely pathogenic. Based on the evidence outlined above, the variant was classified as likely pathogenic.

CeGaT Center for Human Genetics Tuebingen
Classification: Likely pathogenic. Last evaluated: 2022-08-01. Review status: criteria provided, single submitter. Criteria: CeGaT Center For Human Genetics Tuebingen Variant Classification Criteria Version 2. Collection method: clinical testing. Allele origin: germline. Affected: yes. Observed: 1 variant allele.
Comment: MCCC2: PM2, PM3, PP4, PS3:Supporting

Natera, Inc.
Classification: Uncertain significance for 3-methylcrotonyl-CoA carboxylase 2 deficiency. Last evaluated: 2020-02-01. Review status: no assertion criteria provided. Collection method: clinical testing. Allele origin: germline. Not counted in ClinVar's aggregate classification.

Literature cited by the submitters: PubMed 22642865 (cited by Labcorp Genetics (formerly Invitae), Labcorp and Women's Health and Genetics/Laboratory Corporation of America, LabCorp); PubMed 30626930 (cited by Labcorp Genetics (formerly Invitae), Labcorp and Women's Health and Genetics/Laboratory Corporation of America, LabCorp).